The following is an entry in ClinVar:

ClinVar aggregate classification (germline): Likely pathogenic (1 of 4 stars; one submission).
ClinVar aggregate classification (somatic clinical impact): Tier I - Strong (1 of 4 stars; one submission).

Conditions:
Inborn genetic diseases. Identifiers: MedGen C0950123, MeSH D030342.
Medulloblastoma WNT activated. Identifiers: MedGen C4331965, MONDO:0850196.

Submissions (2):

Ambry Genetics
Classification: Likely pathogenic for Inborn genetic diseases. Last evaluated: 2025-10-15. Review status: criteria provided, single submitter. Criteria: Ambry Variant Classification Scheme 2023. Collection method: clinical testing. Allele origin: germline.
Comment: The c.1225G>T (p.G409C) alteration is located in exon 12 (coding exon 12) of the DDX3X gene. This alteration results from a G to T substitution at nucleotide position 1225, causing the glycine (G) at amino acid position 409 to be replaced by a cysteine (C). This variant was not reported in population-based cohorts in the Genome Aggregation Database (gnomAD). Other variant(s) at the same codon, c.1225G>T (p.G409C), have been identified in individual(s) with features consistent with DDX3X-related neurodevelopmental disorder (Ambry internal data). This amino acid position is highly conserved in available vertebrate species. This missense alteration is located in a region that has a low rate of benign missense variation (Lek, 2016; Firth, 2009). This alteration is predicted to be deleterious by in silico analysis. Based on the available evidence, this alteration is classified as likely pathogenic.

Institute for Genomic Medicine (IGM) Clinical Laboratory, Nationwide Children's Hospital
Classification: Tier I - Strong for Medulloblastoma WNT activated. Assertion type: diagnostic. Clinical significance: supports diagnosis. Last evaluated: 2024-10-14. Review status: criteria provided, single submitter. Criteria: AMP/ASCO/CAP Guidelines, 2017. Collection method: clinical testing. Allele origin: somatic. Affected: yes.
Comment: Variant has Tier I (strong) clinical significance as a diagnostic inclusion criterion in medulloblastoma WNT activated, based on the following evidence: 1) Documented in one or more cancer databases (e.g., St. Jude Pecan, COSMIC, CIViC, OncoKB). 2) Appears in one or more well-established professional guidelines (e.g., World Health Organization [WHO]; National Comprehensive Cancer Network [NCCN]) as providing diagnostic, prognostic, or therapeutic information. 3) Diagnostic for a specific tumor type/classification based on well-powered studies with expert-level consensus (Evidence Level B; PMIDs: 22722829, 22820256, 22832583, 28726821).

Literature cited by the submitters: PubMed 22722829 (cited by Institute for Genomic Medicine (IGM) Clinical Laboratory, Nationwide Children's Hospital); PubMed 22820256 (cited by Institute for Genomic Medicine (IGM) Clinical Laboratory, Nationwide Children's Hospital); PubMed 22832583 (cited by Institute for Genomic Medicine (IGM) Clinical Laboratory, Nationwide Children's Hospital); PubMed 28726821 (cited by Institute for Genomic Medicine (IGM) Clinical Laboratory, Nationwide Children's Hospital).

NM_001356.5(DDX3X):c.1225G>T (p.Gly409Cys)

Gene: DDX3X (DEAD-box helicase 3 X-linked; plus strand). Cytogenetic location: Xp11.4.
Variant type: single nucleotide variant.
Coding change: c.1225G>T on transcript NM_001356.5 (MANE Select); coding-DNA position 1225, G replaced by T.
Protein change: p.Gly409Cys; replaces glycine 409 with cysteine.
Molecular consequence: missense variant. On other transcripts: non-coding transcript variant (1).
Genome position (GRCh38, 1-based): chrX:41,345,458, G>T. VCF-style: chrX-41345458-G-T. GRCh37 (hg19) VCF-style: chrX-41204711-G-T.
Other names: c.1225G>T, p.Gly409Cys (NM_001193416.3); c.1177G>T, p.Gly393Cys (NM_001193417.3); c.667G>T, p.Gly223Cys (NM_001363819.1); c.1225G>T (NM_001356.3); short protein forms G223C, G393C, G409C.
Identifiers: ClinVar variation 4530082 (VCV004530082.2).